The following is an entry in ClinVar:

NM_018896.5(CACNA1G):c.2885T>A (p.Ile962Asn)

Gene: CACNA1G (calcium voltage-gated channel subunit alpha1 G; plus strand). Cytogenetic location: 17q21.33.
Variant type: single nucleotide variant.
Coding change: c.2885T>A on transcript NM_018896.5 (MANE Select); coding-DNA position 2885, T replaced by A.
Protein change: p.Ile962Asn; replaces isoleucine 962 with asparagine.
Molecular consequence: missense variant. On other transcripts: non-coding transcript variant (5).
Genome position (GRCh38, 1-based): chr17:50,592,067, T>A. VCF-style: chr17-50592067-T-A. GRCh37 (hg19) VCF-style: chr17-48669428-T-A.
Other names: c.2885T>A, p.Ile962Asn (NM_001256324.2, NM_001256325.2, NM_001256326.2 and 24 more transcripts); short protein forms I962N.
Identifiers: ClinVar variation 4887312 (VCV004887312.1).
Genomic context (GRCh38, chr17:50,592,067, plus strand): 5'-TTTATTTCATTGCCCTCATGACCTTCGGCAACTACGTGCTCTTCAATTTGCTGGTCGCCA[T>A]TCTGGTGGAGGGCTTCCAGGCGGAGGTAACCCACTGCTCTGCCCACCTCACCCTGCCCAC-3'
Protein context (NP_061496.2, residues 952-972): NYVLFNLLVA[Ile962Asn]LVEGFQAEEI

ClinVar aggregate classification (germline): Uncertain significance (1 of 4 stars; one submission).

Submission:

Women's Health and Genetics/Laboratory Corporation of America, LabCorp
Classification: Uncertain significance. Last evaluated: 2026-06-12. Review status: criteria provided, single submitter. Criteria: LabCorp Variant Classification Summary - May 2015. Collection method: clinical testing. Allele origin: germline.
Comment: Variant summary: CACNA1G c.2885T>A (p.Ile962Asn) results in a non-conservative amino acid change in the encoded protein sequence. Algorithms developed to predict the effect of missense changes on protein structure and function all suggest that this variant is likely to be disruptive. The frequency data for this variant in gnomAD is considered unreliable, as metrics indicate poor data quality at this position. c.2885T>A has been observed in individual(s) affected with CACNA1G-related conditions (Qebibo_2025). These data do not allow any conclusion about variant significance. At least one publication reports experimental evidence evaluating an impact on protein function (Qebibo_2025). The results show decreased channel activity. The following publication have been ascertained in the context of this evaluation (PMID: 39674904). No submitters have cited clinical-significance assessments for this variant to ClinVar. Based on the evidence outlined above, the variant was classified as VUS-possibly pathogenic.

Literature cited by the submitters: PubMed 39674904.